The following is an entry in ClinVar:

NM_004706.4(ARHGEF1):c.2317C>T (p.Pro773Ser)

Gene: ARHGEF1 (Rho guanine nucleotide exchange factor 1; plus strand). Cytogenetic location: 19q13.2.
Variant type: single nucleotide variant.
Coding change: c.2317C>T on transcript NM_004706.4 (MANE Select); coding-DNA position 2317, C replaced by T.
Protein change: p.Pro773Ser; replaces proline 773 with serine.
Molecular consequence: missense variant.
Genome position (GRCh38, 1-based): chr19:41,905,242, C>T. VCF-style: chr19-41905242-C-T. GRCh37 (hg19) VCF-style: chr19-42409394-C-T.
Other names: c.2218C>T, p.Pro740Ser (NM_198977.2); c.2362C>T, p.Pro788Ser (NM_199002.2); c.2362C>T (NM_199002.1); short protein forms P740S, P773S, P788S.
Identifiers: ClinVar variation 1448900 (VCV001448900.10), dbSNP rs375701795, ClinGen allele CA9466661.

ClinVar aggregate classification (germline): Uncertain significance. Review status: criteria provided, multiple submitters, no conflicts (2 of 4 stars). 3 submissions from 3 submitters: Uncertain significance (3). Last evaluated 2025-12-29.

Allele frequency attached by ClinVar (database versions not stated): gnomAD 0.00007 and 0.00008; TOPMed 0.00008; gnomAD exomes 0.00009 and 0.00022; ExAC 0.00011; ESP Exome Variant Server 0.00038.
gnomAD v4.1: 327 of 1,613,598 alleles (0.02%); highest among the groups gnomAD compares: Non-Finnish European, 0.026%; no homozygotes.

Submissions (3):

Labcorp Genetics (formerly Invitae), Labcorp
Classification: Uncertain significance. Last evaluated: 2025-12-29. Review status: criteria provided, single submitter. Criteria: Invitae Variant Classification Sherloc (09022015). Collection method: clinical testing. Allele origin: germline.
Comment: This sequence change replaces proline, which is neutral and non-polar, with serine, which is neutral and polar, at codon 788 of the ARHGEF1 protein (p.Pro788Ser). This variant is present in population databases (rs375701795, gnomAD 0.02%). This variant has not been reported in the literature in individuals affected with ARHGEF1-related conditions. ClinVar contains an entry for this variant (Variation ID: 1448900). An algorithm developed to predict the effect of missense changes on protein structure and function outputs the following: PolyPhen-2: "Benign". The serine amino acid residue is found in multiple mammalian species, which suggests that this missense change does not adversely affect protein function. In summary, the available evidence is currently insufficient to determine the role of this variant in disease. Therefore, it has been classified as a Variant of Uncertain Significance.

Ambry Genetics
Classification: Uncertain significance. Last evaluated: 2023-08-21. Review status: criteria provided, single submitter. Criteria: Ambry Variant Classification Scheme 2023. Collection method: clinical testing. Allele origin: germline.

Breakthrough Genomics
Classification: Uncertain significance. Review status: criteria provided, single submitter. Criteria: ACMG Guidelines, 2015. Collection method: not provided. Allele origin: germline. Inheritance: Autosomal dominant inheritance. Affected: yes.